The following is an entry in ClinVar:

ClinVar aggregate classification (germline): Likely benign (1 of 4 stars; one submission).

Conditions:
CIT-related disorder. Also called: CIT-related condition.

gnomAD v4.1: 76 of 1,612,704 alleles (0.0047%); highest among the groups gnomAD compares: South Asian, 0.061%; no homozygotes.

Submission:

PreventionGenetics, part of Exact Sciences
Classification: Likely benign for CIT-related condition. Last evaluated: 2025-06-25. Review status: criteria provided, single submitter. Criteria: ACMG Guidelines, 2015. Collection method: clinical testing. Allele origin: germline.
Comment: This variant is classified as likely benign based on ACMG/AMP sequence variant interpretation guidelines (Richards et al. 2015 PMID: 25741868, with internal and published modifications).

NM_001206999.2(CIT):c.3159G>A (p.Thr1053=)

Gene: CIT (citron rho-interacting serine/threonine kinase; minus strand). Cytogenetic location: 12q24.23.
Variant type: single nucleotide variant.
Coding change: c.3159G>A on transcript NM_001206999.2 (MANE Select); coding-DNA position 3159, G replaced by A.
Protein change: p.Thr1053=; no amino-acid change (threonine 1053 retained).
Molecular consequence: synonymous variant.
Genome position (GRCh38, 1-based): chr12:119,734,355, C>T on the plus strand (G>A on the coding strand, the complement: CIT is on the minus strand). VCF-style: chr12-119734355-C-T. GRCh37 (hg19) VCF-style: chr12-120172160-C-T.
Other names: c.3033G>A, p.Thr1011= (NM_007174.3).
Identifiers: ClinVar variation 4990206 (VCV004990206.1).